The following is an entry in ClinVar:

NM_020975.6(RET):c.3039+5G>A

Gene: RET (ret proto-oncogene; plus strand). Cytogenetic location: 10q11.21.
Variant type: single nucleotide variant.
Coding change: c.3039+5G>A on transcript NM_020975.6 (MANE Select); 5 bases into the intron after coding-DNA position 3039, G replaced by A.
Molecular consequence: intron variant.
Genome position (GRCh38, 1-based): chr10:43,124,987, G>A. VCF-style: chr10-43124987-G-A. GRCh37 (hg19) VCF-style: chr10-43620435-G-A.
Other names: c.3039+5G>A (NM_020630.7, NM_001406743.1, NM_001406744.1 and 2 more transcripts); c.2904+5G>A (NM_001406765.1, NM_001406763.1); c.2643+5G>A (NM_001406772.1, NM_001406769.1); c.2601+5G>A (NM_001406773.1, NM_001406771.1); c.2142+5G>A (NM_001406782.1, NM_001406780.1, NM_001406779.1 and 1 more transcripts); c.2007+5G>A (NM_001406787.1); c.2022+5G>A (NM_001406785.1); c.2910+5G>A (NM_001406764.1, NM_001406762.1, NM_001406761.1); and 10 more.
Identifiers: ClinVar variation 4152797 (VCV004152797.1).

ClinVar aggregate classification (germline): Uncertain significance (1 of 4 stars; one submission).

Conditions:
Hereditary cancer-predisposing syndrome. Also called: Neoplastic Syndromes, Hereditary; Tumor predisposition; Hereditary Cancer Syndrome; Hereditary neoplastic syndrome. Identifiers: Orphanet 140162, MedGen C0027672, MeSH D009386, MONDO:0015356.

Submission:

Ambry Genetics
Classification: Uncertain significance for Hereditary cancer-predisposing syndrome. Last evaluated: 2025-08-04. Review status: criteria provided, single submitter. Criteria: Ambry Variant Classification Scheme 2023. Collection method: clinical testing. Allele origin: germline.
Comment: The c.3039+5G>A intronic variant results from a G to A substitution 5 nucleotides after coding exon 18 in the RET gene. This nucleotide position is highly conserved in available vertebrate species. In silico splice site analysis predicts that this alteration will weaken the native splice donor site and will result in the creation or strengthening of a novel splice donor site. Based on the available evidence, the clinical significance of this variant remains unclear.